The following is an entry in ClinVar:

NM_006245.4(PPP2R5D):c.400G>T (p.Asp134Tyr)

Gene: PPP2R5D (protein phosphatase 2 regulatory subunit B'delta; plus strand). Cytogenetic location: 6p21.1.
Variant type: single nucleotide variant.
Coding change: c.400G>T on transcript NM_006245.4 (MANE Select); coding-DNA position 400, G replaced by T.
Protein change: p.Asp134Tyr; replaces aspartic acid 134 with tyrosine.
Molecular consequence: missense variant. On other transcripts: 5 prime UTR variant (1).
Genome position (GRCh38, 1-based): chr6:43,006,988, G>T. VCF-style: chr6-43006988-G-T. GRCh37 (hg19) VCF-style: chr6-42974726-G-T.
Other names: c.-54G>T (NM_001270476.2); c.304G>T, p.Asp102Tyr (NM_180976.3); c.82G>T, p.Asp28Tyr (NM_180977.3); short protein forms D102Y, D134Y, D28Y.
Identifiers: ClinVar variation 3620260 (VCV003620260.2).
Genomic context (GRCh38, chr6:43,006,988, plus strand): 5'-CGGGAGGAGCTGTTTATCCAGAAGCTACGCCAGTGCTGTGTCCTCTTTGACTTCGTGTCA[G>T]ACCCACTCAGTGACCTCAAATTCAAGGAGGTGAAGCGGGCAGGACTCAACGAGATGGTGG-3'
Protein context (NP_006236.1, residues 124-144): QCCVLFDFVS[Asp134Tyr]PLSDLKFKEV

ClinVar aggregate classification (germline): Uncertain significance (1 of 4 stars; one submission).

gnomAD v4.1: 1 of 1,614,060 alleles (0.000062%); highest among the groups gnomAD compares: Non-Finnish European, 0.000085%; no homozygotes.

Submission:

Labcorp Genetics (formerly Invitae), Labcorp
Classification: Uncertain significance. Last evaluated: 2024-10-04. Review status: criteria provided, single submitter. Criteria: Invitae Variant Classification Sherloc (09022015). Collection method: clinical testing. Allele origin: germline.
Comment: This sequence change replaces aspartic acid, which is acidic and polar, with tyrosine, which is neutral and polar, at codon 134 of the PPP2R5D protein (p.Asp134Tyr). This variant is not present in population databases (gnomAD no frequency). This variant has not been reported in the literature in individuals affected with PPP2R5D-related conditions. An algorithm developed to predict the effect of missense changes on protein structure and function (PolyPhen-2) suggests that this variant is likely to be disruptive. In summary, the available evidence is currently insufficient to determine the role of this variant in disease. Therefore, it has been classified as a Variant of Uncertain Significance.